The following is an entry in ClinVar:

ClinVar aggregate classification (germline): Uncertain significance (1 of 4 stars; one submission).

gnomAD v4.1: 212 of 1,613,786 alleles (0.013%); highest among the groups gnomAD compares: Non-Finnish European, 0.014%; no homozygotes.

Submission:

Labcorp Genetics (formerly Invitae), Labcorp
Classification: Uncertain significance. Last evaluated: 2025-04-21. Review status: criteria provided, single submitter. Criteria: Invitae Variant Classification Sherloc (09022015). Collection method: clinical testing. Allele origin: germline.
Comment: This sequence change replaces glycine, which is neutral and non-polar, with arginine, which is basic and polar, at codon 2293 of the DNAH9 protein (p.Gly2293Arg). This variant is present in population databases (rs548784649, gnomAD 0.05%). This variant has not been reported in the literature in individuals affected with DNAH9-related conditions. ClinVar contains an entry for this variant (Variation ID: 3636293). Invitae Evidence Modeling of protein sequence and biophysical properties (such as structural, functional, and spatial information, amino acid conservation, physicochemical variation, residue mobility, and thermodynamic stability) indicates that this missense variant is expected to disrupt DNAH9 protein function with a positive predictive value of 80%. In summary, the available evidence is currently insufficient to determine the role of this variant in disease. Therefore, it has been classified as a Variant of Uncertain Significance.

NM_001372.4(DNAH9):c.6877G>A (p.Gly2293Arg)

Gene: DNAH9 (dynein axonemal heavy chain 9; plus strand). Cytogenetic location: 17p12.
Variant type: single nucleotide variant.
Coding change: c.6877G>A on transcript NM_001372.4 (MANE Select); coding-DNA position 6877, G replaced by A.
Protein change: p.Gly2293Arg; replaces glycine 2293 with arginine.
Molecular consequence: missense variant.
Genome position (GRCh38, 1-based): chr17:11,757,574, G>A. VCF-style: chr17-11757574-G-A. GRCh37 (hg19) VCF-style: chr17-11660891-G-A.
Other names: short protein forms G2293R.
Identifiers: ClinVar variation 3636293 (VCV003636293.2).